The following is an entry in ClinVar:

ClinVar aggregate classification (germline): Uncertain significance. Review status: criteria provided, multiple submitters, no conflicts (2 of 4 stars). 4 submissions from 4 submitters: Uncertain significance (4). Last evaluated 2024-02-16.

Conditions:
Hereditary nonpolyposis colorectal neoplasms. Identifiers: MedGen C0009405, MeSH D003123.
Endometrial carcinoma. Also called: Endometrial carcinoma, somatic. Identifiers: MedGen C0476089, MONDO:0002447, OMIM 608089, HP:0012114.
Hereditary cancer-predisposing syndrome. Also called: Neoplastic Syndromes, Hereditary; Tumor predisposition; Hereditary Cancer Syndrome; Hereditary neoplastic syndrome. Identifiers: Orphanet 140162, MedGen C0027672, MeSH D009386, MONDO:0015356.

Submissions (4):

Baylor Genetics
Classification: Uncertain significance for Endometrial carcinoma. Last evaluated: 2024-02-16. Review status: criteria provided, single submitter. Criteria: ACMG Guidelines, 2015. Collection method: clinical testing. Allele origin: unknown.

GeneDx
Classification: Uncertain significance. Last evaluated: 2023-10-05. Review status: criteria provided, single submitter. Criteria: GeneDx Variant Classification Process June 2021. Collection method: clinical testing. Allele origin: germline. Affected: yes.
Comment: Has not been previously published as pathogenic or benign to our knowledge; Not observed at significant frequency in large population cohorts (gnomAD); In silico analysis supports that this missense variant does not alter protein structure/function; This variant is associated with the following publications: (PMID: 17531815, 21120944)

Ambry Genetics
Classification: Uncertain significance for Hereditary cancer-predisposing syndrome. Last evaluated: 2023-08-19. Review status: criteria provided, single submitter. Criteria: Ambry Variant Classification Scheme 2023. Collection method: clinical testing. Allele origin: germline.
Comment: The p.S532C variant (also known as c.1595C>G), located in coding exon 4 of the MSH6 gene, results from a C to G substitution at nucleotide position 1595. The serine at codon 532 is replaced by cysteine, an amino acid with dissimilar properties. This amino acid position is highly conserved in available vertebrate species. In addition, the in silico prediction for this alteration is inconclusive. Since supporting evidence is limited at this time, the clinical significance of this alteration remains unclear.

Labcorp Genetics (formerly Invitae), Labcorp
Classification: Uncertain significance for Hereditary nonpolyposis colorectal neoplasms. Last evaluated: 2019-06-17. Review status: criteria provided, single submitter. Criteria: Invitae Variant Classification Sherloc (09022015). Collection method: clinical testing. Allele origin: germline.
Comment: This sequence change replaces serine with cysteine at codon 532 of the MSH6 protein (p.Ser532Cys). The serine residue is moderately conserved and there is a moderate physicochemical difference between serine and cysteine. This variant is not present in population databases (ExAC no frequency). This variant has not been reported in the literature in individuals with MSH6-related conditions. Algorithms developed to predict the effect of missense changes on protein structure and function are either unavailable or do not agree on the potential impact of this missense change (SIFT: "Tolerated"; PolyPhen-2: "Probably Damaging"; Align-GVGD: "Class C0"). In summary, the available evidence is currently insufficient to determine the role of this variant in disease. Therefore, it has been classified as a Variant of Uncertain Significance. Algorithms developed to predict the effect of sequence changes on RNA splicing suggest that this variant may create or strengthen a splice site, but this prediction has not been confirmed by published transcriptional studies.

NM_000179.3(MSH6):c.1595C>G (p.Ser532Cys)

Gene: MSH6 (mutS homolog 6; plus strand). Cytogenetic location: 2p16.3.
Variant type: single nucleotide variant.
Coding change: c.1595C>G on transcript NM_000179.3 (MANE Select); coding-DNA position 1595, C replaced by G.
Protein change: p.Ser532Cys; replaces serine 532 with cysteine.
Molecular consequence: missense variant.
Genome position (GRCh38, 1-based): chr2:47,799,578, C>G. VCF-style: chr2-47799578-C-G. GRCh37 (hg19) VCF-style: chr2-48026717-C-G.
Other names: c.1205C>G, p.Ser402Cys (NM_001281492.2); c.689C>G, p.Ser230Cys (NM_001281493.2, NM_001281494.2); short protein forms S532C, S402C, S230C.
Identifiers: ClinVar variation 819617 (VCV000819617.17), dbSNP rs1572723570, ClinGen allele CA346746931.